The following is an entry in ClinVar:

ClinVar aggregate classification (germline): Pathogenic/Likely pathogenic. Review status: criteria provided, multiple submitters, no conflicts (2 of 4 stars). 3 submissions from 3 submitters: Pathogenic (1); Likely pathogenic (2). Last evaluated 2026-01-06.

Conditions:
ALG3-congenital disorder of glycosylation. Also called: CONGENITAL DISORDER OF GLYCOSYLATION, TYPE Id; CDG Id; ALG3-CDG; CARBOHYDRATE-DEFICIENT GLYCOPROTEIN SYNDROME, TYPE IV; CDGS, TYPE IV. Identifiers: Orphanet 79321, MedGen C1832736, MONDO:0010998, OMIM 601110.

Allele frequency attached by ClinVar (database versions not stated): TOPMed 0.00002; ExAC 0.00003; gnomAD exomes 0.00001 and 0.00002.
gnomAD v4.1: 16 of 1,613,632 alleles (0.00099%); highest among the groups gnomAD compares: South Asian, 0.0055%; no homozygotes.

Submissions (3):

Women's Health and Genetics/Laboratory Corporation of America, LabCorp
Classification: Likely pathogenic for ALG3-congenital disorder of glycosylation. Last evaluated: 2026-01-06. Review status: criteria provided, single submitter. Criteria: LabCorp Variant Classification Summary - May 2015. Collection method: clinical testing. Allele origin: germline.
Comment: Variant summary: ALG3 c.1061G>A (p.Arg354His) results in a non-conservative amino acid change in the encoded protein sequence. Algorithms developed to predict the effect of missense changes on protein structure and function all suggest that this variant is likely to be disruptive. The variant allele was found at a frequency of 2e-05 in 248666 control chromosomes. c.1061G>A has been observed at a compound heterozygous state along with a second pathogenic variant in one individual affected with congenital disorders of glycosylation (CDG) and migrating partial seizures in infancy (Barba_2016, Burgess_2019). These data do not allow any conclusion about variant significance. A different variant affecting the same codon has been classified as likely pathogenic by our lab (c.1060C>T, p.Arg354Cys), supporting the critical relevance of codon 354 to ALG3 protein function. To our knowledge, no experimental evidence demonstrating an impact on protein function has been reported. The following publications have been ascertained in the context of this evaluation (PMID: 34090370, 33583022, 27172925, 28122681, 25642631, 31618474, 29667327). ClinVar contains an entry for this variant (Variation ID: 1053045). Based on the evidence outlined above, the variant was classified as likely pathogenic.

Dasa
Classification: Likely pathogenic. Last evaluated: 2025-09-10. Review status: criteria provided, single submitter. Criteria: DASA Assertion Criteria. Collection method: clinical testing. Allele origin: germline.
Comment: NM_005787.6(ALG3):c.1061G>A (p.Arg354His) is a missense variant that results in the substitution of arginine with histidine. The affected residue or protein region has prior evidence supporting clinical relevance. This variant has been recurrently observed in individuals with ALG3-related disorders (PMID: 27172925; PMID: 31618474). Also, this variant is rare in population databases. Computational evidence supports a deleterious effect. Based on the currently available evidence, this variant is classified as likely pathogenic.

Labcorp Genetics (formerly Invitae), Labcorp
Classification: Pathogenic for ALG3-congenital disorder of glycosylation. Last evaluated: 2022-11-29. Review status: criteria provided, single submitter. Criteria: Invitae Variant Classification Sherloc (09022015). Collection method: clinical testing. Allele origin: germline.
Comment: This variant is present in population databases (rs546890576, gnomAD 0.006%). This missense change has been observed in individual(s) with congenital disorders of glycosylation and/or seizures (PMID: 27172925, 29667327). In at least one individual the data is consistent with being in trans (on the opposite chromosome) from a pathogenic variant. ClinVar contains an entry for this variant (Variation ID: 1053045). Advanced modeling of protein sequence and biophysical properties (such as structural, functional, and spatial information, amino acid conservation, physicochemical variation, residue mobility, and thermodynamic stability) performed at Invitae indicates that this missense variant is expected to disrupt ALG3 protein function. This variant disrupts the Arg354 amino acid residue in ALG3. Other variant(s) that disrupt this residue have been determined to be pathogenic (PMID: 34090370). This suggests that this residue is clinically significant, and that variants that disrupt this residue are likely to be disease-causing. For these reasons, this variant has been classified as Pathogenic. This sequence change replaces arginine, which is basic and polar, with histidine, which is basic and polar, at codon 354 of the ALG3 protein (p.Arg354His).

Literature cited by the submitters: PubMed 28122681 (cited by Women's Health and Genetics/Laboratory Corporation of America, LabCorp); PubMed 33583022 (cited by Women's Health and Genetics/Laboratory Corporation of America, LabCorp); PubMed 34090370 (cited by Women's Health and Genetics/Laboratory Corporation of America, LabCorp and Labcorp Genetics (formerly Invitae), Labcorp); PubMed 31618474 (cited by Women's Health and Genetics/Laboratory Corporation of America, LabCorp and Dasa); PubMed 25642631 (cited by Women's Health and Genetics/Laboratory Corporation of America, LabCorp); PubMed 27172925 (cited by 3 submitters); PubMed 29667327 (cited by Women's Health and Genetics/Laboratory Corporation of America, LabCorp and Labcorp Genetics (formerly Invitae), Labcorp).

NM_005787.6(ALG3):c.1061G>A (p.Arg354His)

Gene: ALG3 (ALG3 alpha-1,3- mannosyltransferase; minus strand). Cytogenetic location: 3q27.1.
Variant type: single nucleotide variant.
Coding change: c.1061G>A on transcript NM_005787.6 (MANE Select); coding-DNA position 1061, G replaced by A.
Protein change: p.Arg354His; replaces arginine 354 with histidine.
Molecular consequence: missense variant. On other transcripts: non-coding transcript variant (2).
Genome position (GRCh38, 1-based): chr3:184,242,906, C>T on the plus strand (G>A on the coding strand, the complement: ALG3 is on the minus strand). VCF-style: chr3-184242906-C-T. GRCh37 (hg19) VCF-style: chr3-183960694-C-T.
Other names: c.917G>A, p.Arg306His (NM_001006941.2); short protein forms R306H, R354H.
Identifiers: ClinVar variation 1053045 (VCV001053045.8), dbSNP rs546890576, ClinGen allele CA2729331.